The following is an entry in ClinVar:

NM_030665.4(RAI1):c.3253G>A (p.Gly1085Arg)

Gene: RAI1 (retinoic acid induced 1; plus strand). Cytogenetic location: 17p11.2.
Variant type: single nucleotide variant.
Coding change: c.3253G>A on transcript NM_030665.4 (MANE Select); coding-DNA position 3253, G replaced by A.
Protein change: p.Gly1085Arg; replaces glycine 1085 with arginine.
Molecular consequence: missense variant.
Genome position (GRCh38, 1-based): chr17:17,796,201, G>A. VCF-style: chr17-17796201-G-A. GRCh37 (hg19) VCF-style: chr17-17699515-G-A.
Other names: short protein forms G1085R.
Identifiers: ClinVar variation 4980881 (VCV004980881.1).

ClinVar aggregate classification (germline): Uncertain significance (1 of 4 stars; one submission).

Conditions:
RAI1-related disorder. Also called: RAI1-related condition.

gnomAD v4.1: 1 of 1,555,360 alleles (0.000064%); highest among the groups gnomAD compares: Admixed American, 0.0019%; no homozygotes.

Submission:

PreventionGenetics, part of Exact Sciences
Classification: Uncertain significance for RAI1-related condition. Last evaluated: 2026-07-01. Review status: criteria provided, single submitter. Criteria: ACMG Guidelines, 2015. Collection method: clinical testing. Allele origin: germline.
Comment: The RAI1 c.3253G>A variant is predicted to result in the amino acid substitution p.Gly1085Arg. To our knowledge, this variant has not been reported in the literature. This variant is reported in 0.0037% of alleles in individuals of Latino descent in gnomAD. At this time, the clinical significance of this variant is uncertain due to the absence of conclusive functional and genetic evidence.